The following is an entry in ClinVar:

NM_001035.3(RYR2):c.6792+1G>A

Gene: RYR2 (ryanodine receptor 2; plus strand). Cytogenetic location: 1q43.
Variant type: single nucleotide variant.
Coding change: c.6792+1G>A on transcript NM_001035.3 (MANE Select); the canonical splice donor site of the intron after coding-DNA position 6792, G replaced by A.
Molecular consequence: splice donor variant.
Genome position (GRCh38, 1-based): chr1:237,634,993, G>A. VCF-style: chr1-237634993-G-A. GRCh37 (hg19) VCF-style: chr1-237798293-G-A.
Identifiers: ClinVar variation 4757738 (VCV004757738.1).

ClinVar aggregate classification (germline): Uncertain significance (1 of 4 stars; one submission).

Conditions:
Cardiomyopathy (CMYO). Also called: Cardiomyopathies. Identifiers: Orphanet 167848, MedGen C0878544, MONDO:0004994, HP:0001638. Inheritance: Various modes of inheritance.

Submission:

Color Diagnostics, LLC DBA Color Health
Classification: Uncertain significance for Cardiomyopathy. Last evaluated: 2025-07-18. Review status: criteria provided, single submitter. Criteria: ACMG Guidelines, 2015. Collection method: clinical testing. Allele origin: germline.
Comment: This variant causes a G>A nucleotide substitution at the +1 position of intron 44 of the RYR2 gene. Splice site prediction tools suggest that this variant may have a significant impact on RNA splicing. Although this prediction has not been confirmed in published RNA studies, this variant is expected to result in an absent or disrupted protein product. This variant has not been reported in individuals affected with RYR2-related disorders in the literature. This variant has not been identified in the general population by the Genome Aggregation Database (gnomAD). Clinical relevance of loss-of-function RYR2 truncation and splice variants in autosomal dominant cardiovascular disorders is not clearly established. The available evidence is insufficient to determine the role of this variant in disease conclusively. Therefore, this variant is classified as a Variant of Uncertain Significance.